The following is an entry in ClinVar:

ClinVar aggregate classification (germline): Pathogenic (1 of 4 stars; one submission).

Submission:

Labcorp Genetics (formerly Invitae), Labcorp
Classification: Pathogenic. Last evaluated: 2025-10-23. Review status: criteria provided, single submitter. Criteria: Invitae Variant Classification Sherloc (09022015). Collection method: clinical testing. Allele origin: germline.
Comment: This sequence change creates a premature translational stop signal (p.Asn927Glnfs*5) in the POLE gene. It is expected to result in an absent or disrupted protein product. Loss-of-function variants in POLE are known to be pathogenic (PMID: 23230001, 25948378, 30503519). This variant is not present in population databases (gnomAD no frequency). This variant has not been reported in the literature in individuals affected with POLE-related conditions. For these reasons, this variant has been classified as Pathogenic.

Literature cited by the submitters: PubMed 23230001; PubMed 25948378; PubMed 30503519.

NM_006231.4(POLE):c.2778_2779del (p.Asn927fs)

Gene: POLE (DNA polymerase epsilon, catalytic subunit; minus strand). Cytogenetic location: 12q24.33.
Variant type: Microsatellite.
Coding change: c.2778_2779del on transcript NM_006231.4 (MANE Select); coding-DNA positions 2778 to 2779, 2 bases deleted (GA; older notation c.2778_2779delGA).
Protein change: p.Asn927fs; shifts the reading frame from asparagine 927.
Molecular consequence: frameshift variant.
Genome position (GRCh38, 1-based): chr12:132,661,612-132,661,613, TC deleted on the plus strand (GA on the coding strand, the reverse complement: POLE is on the minus strand); deleting any 2 consecutive bases within chr12:132,661,612-132,661,616 gives the same sequence; the c. name uses the placement nearest the transcript's 3' end. VCF-style (leftmost placement, unchanged base first): chr12-132661611-TTC-T. GRCh37 (hg19) VCF-style: chr12-133238197-TTC-T.
Other names: short protein forms N927fs.
Identifiers: ClinVar variation 4729717 (VCV004729717.1).